The following is an entry in ClinVar:

ClinVar aggregate classification (germline): Pathogenic/Likely pathogenic. Review status: criteria provided, multiple submitters, no conflicts (2 of 4 stars). 2 submissions from 2 submitters: Pathogenic (1); Likely pathogenic (1). Last evaluated 2025-07-22.

Conditions:
Lethal congenital contractural syndrome Finnish type.

Submissions (2):

Natera, Inc.
Classification: Likely pathogenic for Lethal congenital contractural syndrome Finnish type. Last evaluated: 2025-07-22. Review status: criteria provided, single submitter. Criteria: Natera Variant Classification Schema (03/2026). Collection method: clinical testing. Allele origin: germline.
Comment: The c.751_752dup variant in GLE1 is a frameshift variant predicted to shift the reading frame beginning at codon 252 and leads to a stop codon 72 codons downstream. This variant is expected to result in nonsense mediated decay, truncation, or a dysfunctional protein product. This variant is rare in the general population with a frequency below the threshold expected for the associated phenotype(s). Given the available evidence, this variant is classified as Likely Pathogenic.

Labcorp Genetics (formerly Invitae), Labcorp
Classification: Pathogenic. Last evaluated: 2022-05-11. Review status: criteria provided, single submitter. Criteria: Invitae Variant Classification Sherloc (09022015). Collection method: clinical testing. Allele origin: germline.
Comment: For these reasons, this variant has been classified as Pathogenic. ClinVar contains an entry for this variant (Variation ID: 947636). This variant has not been reported in the literature in individuals affected with GLE1-related conditions. This variant is not present in population databases (gnomAD no frequency). This sequence change creates a premature translational stop signal (p.Gln252Cysfs*72) in the GLE1 gene. It is expected to result in an absent or disrupted protein product. Loss-of-function variants in GLE1 are known to be pathogenic (PMID: 18204449, 24243016, 27684565).

Literature cited by the submitters: PubMed 18204449 (cited by Labcorp Genetics (formerly Invitae), Labcorp); PubMed 24243016 (cited by Labcorp Genetics (formerly Invitae), Labcorp); PubMed 27684565 (cited by Labcorp Genetics (formerly Invitae), Labcorp).

NM_001003722.2(GLE1):c.751_752dup (p.Gln252fs)

Gene: GLE1 (GLE1 RNA export mediator; plus strand). Cytogenetic location: 9q34.11.
Variant type: Microsatellite.
Coding change: c.751_752dup on transcript NM_001003722.2 (MANE Select); coding-DNA positions 751 to 752, 2 bases duplicated (CT; older notation c.751_752dupCT).
Protein change: p.Gln252fs; shifts the reading frame from glutamine 252.
Molecular consequence: frameshift variant.
Genome position (GRCh38, 1-based): chr9:128,523,700-128,523,701, CT duplicated; duplicating any 2 consecutive bases within chr9:128,523,698-128,523,701 gives the same sequence; the c. name uses the placement nearest the transcript's 3' end. VCF-style (leftmost placement, unchanged base first): chr9-128523697-G-GCT. GRCh37 (hg19) VCF-style: chr9-131285976-G-GCT.
Other names: c.751_752dup, p.Gln252fs (NM_001499.2); c.751_752dupCT (NM_001003722.1); c.751_752dup (NM_001003722.1); short protein forms Q252fs.
Identifiers: ClinVar variation 947636 (VCV000947636.8), dbSNP rs1847218494, ClinGen allele CA1880320795.